The following is an entry in ClinVar:

ClinVar aggregate classification (germline): Uncertain significance (1 of 4 stars; one submission).

Conditions:
Peutz-Jeghers syndrome (PJS). Also called: Peutz-Jeghers polyposis; Periorificial lentiginosis syndrome; POLYPOSIS, HAMARTOMATOUS INTESTINAL; POLYPS-AND-SPOTS SYNDROME. Identifiers: Orphanet 2869, MedGen C0031269, MeSH D010580, MONDO:0008280, OMIM 175200.

Allele frequency attached by ClinVar (database versions not stated): gnomAD exomes below 0.00001.
gnomAD v4.1: 1 of 1,587,068 alleles (0.000063%); highest among the groups gnomAD compares: South Asian, 0.0011%; no homozygotes.

Submission:

Labcorp Genetics (formerly Invitae), Labcorp
Classification: Uncertain significance for Peutz-Jeghers syndrome. Last evaluated: 2022-09-11. Review status: criteria provided, single submitter. Criteria: Invitae Variant Classification Sherloc (09022015). Collection method: clinical testing. Allele origin: germline.
Comment: ClinVar contains an entry for this variant (Variation ID: 1393920). This variant has not been reported in the literature in individuals affected with STK11-related conditions. The frequency data for this variant in the population databases is considered unreliable, as metrics indicate poor data quality at this position in the gnomAD database. This sequence change replaces valine, which is neutral and non-polar, with leucine, which is neutral and non-polar, at codon 320 of the STK11 protein (p.Val320Leu). In summary, the available evidence is currently insufficient to determine the role of this variant in disease. Therefore, it has been classified as a Variant of Uncertain Significance. Advanced modeling of protein sequence and biophysical properties (such as structural, functional, and spatial information, amino acid conservation, physicochemical variation, residue mobility, and thermodynamic stability) performed at Invitae indicates that this missense variant is expected to disrupt STK11 protein function.

NM_000455.5(STK11):c.958G>T (p.Val320Leu)

Gene: STK11 (serine/threonine kinase 11; plus strand). Cytogenetic location: 19p13.3.
Variant type: single nucleotide variant.
Coding change: c.958G>T on transcript NM_000455.5 (MANE Select); coding-DNA position 958, G replaced by T.
Protein change: p.Val320Leu; replaces valine 320 with leucine.
Molecular consequence: missense variant.
Genome position (GRCh38, 1-based): chr19:1,223,022, G>T. VCF-style: chr19-1223022-G-T. GRCh37 (hg19) VCF-style: chr19-1223021-G-T.
Other names: short protein forms V320L.
Identifiers: ClinVar variation 1393920 (VCV001393920.8), dbSNP rs1481299816, ClinGen allele CA402951540.